The following is an entry in ClinVar:

NM_021871.4(FGA):c.161_166del (p.Phe54_Cys55del)

Gene: FGA (fibrinogen alpha chain; minus strand). Cytogenetic location: 4q31.3.
Variant type: Deletion.
Coding change: c.161_166del on transcript NM_021871.4 (MANE Select); coding-DNA positions 161 to 166, 6 bases deleted (TCTGCT; older notation c.161_166delTCTGCT).
Protein change: p.Phe54_Cys55del.
Molecular consequence: inframe deletion.
Genome position (GRCh38, 1-based): chr4:154,589,451-154,589,456, AGCAGA deleted on the plus strand (TCTGCT on the coding strand, the reverse complement: FGA is on the minus strand); deleting any 6 consecutive bases within chr4:154,589,451-154,589,458 gives the same sequence; the c. name uses the placement nearest the transcript's 3' end. VCF-style (leftmost placement, unchanged base first): chr4-154589450-GAGCAGA-G. GRCh37 (hg19) VCF-style: chr4-155510602-GAGCAGA-G.
Other names: c.161_166del, p.Phe54_Cys55del (NM_000508.5).
Identifiers: ClinVar variation 3345110 (VCV003345110.1).
Genomic context (GRCh38, chr4:154,589,450, plus strand): 5'-TAGCATCAGAGGGAAGGAATCTCCTGCTTCCCCCGCTGACTGCTTACCCAGTCTTCATCA[GAGCAGA>G]AGGGCCAGTCTGAATCTTTGCAGGCAGATTGATGTCTTTCCACAACCCTTGGGCCACGCA-3'

ClinVar aggregate classification (germline): Uncertain significance (0 of 4 stars; one submission).

Conditions:
FGA-related disorder. Also called: FGA-related disorders; FGA-related condition.

Submission:

PreventionGenetics, part of Exact Sciences
Classification: Uncertain significance for FGA-related condition. Last evaluated: 2024-06-21. Review status: no assertion criteria provided. Collection method: clinical testing. Allele origin: germline.
Comment: The FGA c.161_166del6 variant is predicted to result in an in-frame deletion (p.Phe54_Cys55del). To our knowledge, this variant has not been reported in the literature or in a large population database, indicating this variant is rare. At this time, the clinical significance of this variant is uncertain due to the absence of conclusive functional and genetic evidence.